The following is an entry in ClinVar:

NM_001378609.3(OTOGL):c.1973A>G (p.His658Arg)

Gene: OTOGL (otogelin like; plus strand). Cytogenetic location: 12q21.31.
Variant type: single nucleotide variant.
Coding change: c.1973A>G on transcript NM_001378609.3 (MANE Select); coding-DNA position 1973, A replaced by G.
Protein change: p.His658Arg; replaces histidine 658 with arginine.
Molecular consequence: missense variant.
Genome position (GRCh38, 1-based): chr12:80,262,052, A>G. VCF-style: chr12-80262052-A-G. GRCh37 (hg19) VCF-style: chr12-80655832-A-G.
Other names: c.1973A>G, p.His658Arg (NM_001368062.3, NM_001378610.3, NM_173591.7); short protein forms H658R.
Identifiers: ClinVar variation 4076790 (VCV004076790.1).
Genomic context (GRCh38, chr12:80,262,052, plus strand): 5'-GTACACCACAACTTCACGCAAATGCGTGGAGAGTTTCTTCTACCTGTTTTGCACCTGTTC[A>G]TGTCCCAGTGGTGGACCCCTGTAACATCAATCAACAAAACAGTAAGTTTTGCATGTAAAC-3'
Protein context (NP_001365538.2, residues 648-668): RVSSTCFAPV[His658Arg]VPVVDPCNIN

ClinVar aggregate classification (germline): Uncertain significance (1 of 4 stars; one submission).

gnomAD v4.1: 2 of 1,612,960 alleles (0.00012%); highest among the groups gnomAD compares: South Asian, 0.0011%; no homozygotes.

Submission:

GeneDx
Classification: Uncertain significance. Last evaluated: 2025-02-24. Review status: criteria provided, single submitter. Criteria: GeneDx Variant Classification Process June 2021. Collection method: clinical testing. Allele origin: germline. Affected: yes.
Comment: Not observed at significant frequency in large population cohorts (gnomAD); In silico analysis indicates that this missense variant does not alter protein structure/function; Has not been previously published as pathogenic or benign to our knowledge